The following is an entry in ClinVar:

NM_001458.5(FLNC):c.5893G>A (p.Val1965Met)

Genes: FLNC-AS1 (FLNC antisense RNA 1; minus strand), FLNC (filamin C; plus strand). Cytogenetic location: 7q32.1.
Variant type: single nucleotide variant.
Coding change: c.5893G>A on transcript NM_001458.5 (MANE Select); coding-DNA position 5893, G replaced by A.
Protein change: p.Val1965Met; replaces valine 1965 with methionine.
Molecular consequence: missense variant.
Genome position (GRCh38, 1-based): chr7:128,852,641, G>A. VCF-style: chr7-128852641-G-A. GRCh37 (hg19) VCF-style: chr7-128492695-G-A.
Other names: c.5794G>A, p.Val1932Met (NM_001127487.2); short protein forms V1932M, V1965M.
Identifiers: ClinVar variation 848912 (VCV000848912.7), dbSNP rs771255247, ClinGen allele CA4475828.

ClinVar aggregate classification (germline): Uncertain significance (1 of 4 stars; one submission).

Conditions:
Dilated Cardiomyopathy, Dominant.
Myofibrillar myopathy 5. Also called: FILAMINOPATHY, AUTOSOMAL DOMINANT; Filaminopathy (type). Identifiers: Orphanet 171445, MedGen C1836050, MONDO:0012289, OMIM 609524.
Distal myopathy with posterior leg and anterior hand involvement. Also called: WILLIAMS DISTAL MYOPATHY. Identifiers: Orphanet 63273, MedGen C3279722, MONDO:0013550, OMIM 614065.
Hypertrophic cardiomyopathy 26. Also called: Cardiomyopathy, familial hypertrophic, 26. Identifiers: Orphanet 75249, MedGen C4310749, MONDO:0014883, OMIM 617047.

Allele frequency attached by ClinVar (database versions not stated): gnomAD exomes below 0.00001; ExAC 0.00001.
gnomAD v4.1: 5 of 1,613,292 alleles (0.00031%); highest among the groups gnomAD compares: South Asian, 0.0033%; no homozygotes.

Submission:

Labcorp Genetics (formerly Invitae), Labcorp
Classification: Uncertain significance for Distal myopathy with posterior leg and anterior hand involvement; Myofibrillar myopathy 5; Hypertrophic cardiomyopathy 26. Last evaluated: 2021-08-30. Review status: criteria provided, single submitter. Criteria: Invitae Variant Classification Sherloc (09022015). Collection method: clinical testing. Allele origin: germline.
Comment: This sequence change replaces valine with methionine at codon 1965 of the FLNC protein (p.Val1965Met). The valine residue is highly conserved and there is a small physicochemical difference between valine and methionine. This variant is present in population databases (rs771255247, ExAC 0.002%). This variant has not been reported in the literature in individuals affected with FLNC-related conditions. Algorithms developed to predict the effect of missense changes on protein structure and function are either unavailable or do not agree on the potential impact of this missense change (SIFT: "Deleterious"; PolyPhen-2: "Probably Damaging"; Align-GVGD: "Class C0"). In summary, the available evidence is currently insufficient to determine the role of this variant in disease. Therefore, it has been classified as a Variant of Uncertain Significance.